The following is an entry in ClinVar:

NM_001371623.1(TCOF1):c.1363C>T (p.Pro455Ser)

Gene: TCOF1 (treacle ribosome biogenesis factor 1; plus strand). Cytogenetic location: 5q32.
Variant type: single nucleotide variant.
Coding change: c.1363C>T on transcript NM_001371623.1 (MANE Select); coding-DNA position 1363, C replaced by T.
Protein change: p.Pro455Ser; replaces proline 455 with serine.
Molecular consequence: missense variant.
Genome position (GRCh38, 1-based): chr5:150,375,038, C>T. VCF-style: chr5-150375038-C-T. GRCh37 (hg19) VCF-style: chr5-149754601-C-T.
Other names: c.1132C>T, p.Pro378Ser (NM_000356.4, NM_001135245.2); c.1363C>T, p.Pro455Ser (NM_001008657.3, NM_001135243.2, NM_001135244.2 and 1 more transcripts); short protein forms P378S, P455S.
Identifiers: ClinVar variation 1803535 (VCV001803535.7), dbSNP rs2533424789, ClinGen allele CA361745596.
Genomic context (GRCh38, chr5:150,375,038, plus strand): 5'-CAGGTCAGAGCCGCCTCGGCCCCTGCCAAGGAGTCCCCCAGGAAAGGGGCTGCCCCAGCA[C>T]CTCCTAGGAAAACAGGGCCTGCAGCCGCCCAGGTCCAGGTGGGGAAGCAGGAGGAGGACT-3'
Protein context (NP_001358552.1, residues 445-465): ESPRKGAAPA[Pro455Ser]PRKTGPAAAQ

ClinVar aggregate classification (germline): Uncertain significance. Review status: criteria provided, multiple submitters, no conflicts (2 of 4 stars). 3 submissions from 3 submitters: Uncertain significance (3). Last evaluated 2026-02-16.

Conditions:
Inborn genetic diseases. Identifiers: MedGen C0950123, MeSH D030342.
Treacher Collins syndrome 1 (TCS1). Also called: TCOF1-Related Treacher Collins Syndrome. Identifiers: Orphanet 861, MedGen CN315775, MONDO:0007944, OMIM 154500.

Allele frequency attached by ClinVar (database versions not stated): gnomAD exomes below 0.00001.
gnomAD v4.1: 4 of 1,613,978 alleles (0.00025%); highest among the groups gnomAD compares: African/African-American, 0.0013%; no homozygotes.

Submissions (3):

Ambry Genetics
Classification: Uncertain significance for Inborn genetic diseases. Last evaluated: 2026-02-16. Review status: criteria provided, single submitter. Criteria: Ambry Variant Classification Scheme 2023. Collection method: clinical testing. Allele origin: germline.

GeneDx
Classification: Uncertain significance. Last evaluated: 2022-06-07. Review status: criteria provided, single submitter. Criteria: GeneDx Variant Classification Process June 2021. Collection method: clinical testing. Allele origin: germline. Affected: yes.
Comment: Not observed at significant frequency in large population cohorts (gnomAD); In silico analysis supports that this missense variant does not alter protein structure/function; Has not been previously published as pathogenic or benign to our knowledge

Labcorp Genetics (formerly Invitae), Labcorp
Classification: Uncertain significance for Treacher Collins syndrome 1. Last evaluated: 2022-05-04. Review status: criteria provided, single submitter. Criteria: Invitae Variant Classification Sherloc (09022015). Collection method: clinical testing. Allele origin: germline.
Comment: In summary, the available evidence is currently insufficient to determine the role of this variant in disease. Therefore, it has been classified as a Variant of Uncertain Significance. Algorithms developed to predict the effect of missense changes on protein structure and function output the following: SIFT: "Tolerated"; PolyPhen-2: "Benign"; Align-GVGD: "Class C0". The serine amino acid residue is found in multiple mammalian species, which suggests that this missense change does not adversely affect protein function. This variant has not been reported in the literature in individuals affected with TCOF1-related conditions. This variant is not present in population databases (gnomAD no frequency). This sequence change replaces proline, which is neutral and non-polar, with serine, which is neutral and polar, at codon 455 of the TCOF1 protein (p.Pro455Ser).